The following is an entry in ClinVar:

NM_016151.4(TAOK2):c.3185C>T (p.Ala1062Val)

Gene: TAOK2 (TAO kinase 2; plus strand). Cytogenetic location: 16p11.2.
Variant type: single nucleotide variant.
Coding change: c.3185C>T on transcript NM_016151.4 (MANE Select); coding-DNA position 3185, C replaced by T.
Protein change: p.Ala1062Val; replaces alanine 1062 with valine.
Molecular consequence: missense variant. On other transcripts: intron variant (1).
Genome position (GRCh38, 1-based): chr16:29,987,457, C>T. VCF-style: chr16-29987457-C-T. GRCh37 (hg19) VCF-style: chr16-29998778-C-T.
Other names: c.3185C>T (NM_016151.2); c.2846C>T, p.Ala949Val (NM_001252043.2); c.2232+953C>T (NM_004783.4); short protein forms A949V, A1062V.
Identifiers: ClinVar variation 1468895 (VCV001468895.10), dbSNP rs2069842445, ClinGen allele CA395499001.
Genomic context (GRCh38, chr16:29,987,457, plus strand): 5'-CCCTGGGCCTTGGAGCTGCCTGGCTCTTAGCTTGGCCAGGCCTAGCTCTACCTCTGGTGG[C>T]TATGGCAGCGGGGGGCAGATGGGTGCGGCAGCAGGGCCCCCGGGTGCGCCGGGGCATATC-3'
Protein context (NP_057235.2, residues 1052-1072): AWPGLALPLV[Ala1062Val]MAAGGRWVRQ

ClinVar aggregate classification (germline): Uncertain significance. Review status: criteria provided, multiple submitters, no conflicts (2 of 4 stars). 2 submissions from 2 submitters: Uncertain significance (2). Last evaluated 2025-09-02.

Allele frequency attached by ClinVar (database versions not stated): gnomAD exomes below 0.00001; gnomAD 0.00001; TOPMed 0.00002.
gnomAD v4.1: 3 of 1,595,386 alleles (0.00019%); highest among the groups gnomAD compares: Admixed American, 0.0035%; no homozygotes.

Submissions (2):

Labcorp Genetics (formerly Invitae), Labcorp
Classification: Uncertain significance. Last evaluated: 2025-09-02. Review status: criteria provided, single submitter. Criteria: Invitae Variant Classification Sherloc (09022015). Collection method: clinical testing. Allele origin: germline.
Comment: This sequence change replaces alanine, which is neutral and non-polar, with valine, which is neutral and non-polar, at codon 1062 of the TAOK2 protein (p.Ala1062Val). This variant is not present in population databases (gnomAD no frequency). This variant has not been reported in the literature in individuals affected with TAOK2-related conditions. ClinVar contains an entry for this variant (Variation ID: 1468895). An algorithm developed to predict the effect of missense changes on protein structure and function (PolyPhen-2) suggests that this variant is likely to be disruptive. In summary, the available evidence is currently insufficient to determine the role of this variant in disease. Therefore, it has been classified as a Variant of Uncertain Significance.

Ambry Genetics
Classification: Uncertain significance. Last evaluated: 2023-12-28. Review status: criteria provided, single submitter. Criteria: Ambry Variant Classification Scheme 2023. Collection method: clinical testing. Allele origin: germline.